The following is an entry in ClinVar:

NM_198578.4(LRRK2):c.2623T>A (p.Trp875Arg)

Gene: LRRK2 (leucine rich repeat kinase 2; plus strand). Cytogenetic location: 12q12.
Variant type: single nucleotide variant.
Coding change: c.2623T>A on transcript NM_198578.4 (MANE Select); coding-DNA position 2623, T replaced by A.
Protein change: p.Trp875Arg; replaces tryptophan 875 with arginine.
Molecular consequence: missense variant.
Genome position (GRCh38, 1-based): chr12:40,287,473, T>A. VCF-style: chr12-40287473-T-A. GRCh37 (hg19) VCF-style: chr12-40681275-T-A.
Other names: short protein forms W875R.
Identifiers: ClinVar variation 1793980 (VCV001793980.2), dbSNP rs2499680104, ClinGen allele CA384408956.

ClinVar aggregate classification (germline): Uncertain significance (1 of 4 stars; one submission).

Conditions:
Inborn genetic diseases. Identifiers: MedGen C0950123, MeSH D030342.

Submission:

Ambry Genetics
Classification: Uncertain significance for Inborn genetic diseases. Last evaluated: 2021-08-15. Review status: criteria provided, single submitter. Criteria: Ambry Variant Classification Scheme 2023. Collection method: clinical testing. Allele origin: germline.
Comment: The p.W875R variant (also known as c.2623T>A), located in coding exon 20 of the LRRK2 gene, results from a T to A substitution at nucleotide position 2623. The tryptophan at codon 875 is replaced by arginine, an amino acid with dissimilar properties. This amino acid position is conserved. In addition, this alteration is predicted to be deleterious by in silico analysis. Since supporting evidence is limited at this time, the clinical significance of this alteration remains unclear.